The following is an entry in ClinVar:

ClinVar aggregate classification (germline): Likely benign. Review status: criteria provided, single submitter (1 of 4 stars). 2 submissions from 2 submitters: Likely benign (1). 1 of the submissions does not count toward it. Last evaluated 2025-01-31.

Conditions:
Familial thoracic aortic aneurysm and aortic dissection (TAAD). Also called: Thoracic aortic aneurysms and dissections. Identifiers: Orphanet 91387, MedGen C4707243, MONDO:0019625.
MYH11-related disorder. Also called: MYH11-related condition.

Allele frequency attached by ClinVar (database versions not stated): gnomAD 0.00001; TOPMed 0.00001.
gnomAD v4.1: 1 of 1,614,088 alleles (0.000062%); highest among the groups gnomAD compares: Admixed American, 0.0017%; no homozygotes.

Submissions (2):

Ambry Genetics
Classification: Likely benign for Familial thoracic aortic aneurysm and aortic dissection. Last evaluated: 2025-01-31. Review status: criteria provided, single submitter. Criteria: Ambry Variant Classification Scheme 2023. Collection method: clinical testing. Allele origin: germline.

PreventionGenetics, part of Exact Sciences
Classification: Likely benign for MYH11-related condition. Last evaluated: 2022-05-23. Review status: no assertion criteria provided. Collection method: clinical testing. Allele origin: germline. Not counted in ClinVar's aggregate classification.
Comment: This variant is classified as likely benign based on ACMG/AMP sequence variant interpretation guidelines (Richards et al. 2015 PMID: 25741868, with internal and published modifications).

NM_002474.3(MYH11):c.4284G>A (p.Glu1428=)

Genes: NDE1 (nudE neurodevelopment protein 1; plus strand), MYH11 (myosin heavy chain 11; minus strand). Cytogenetic location: 16p13.11.
Variant type: single nucleotide variant.
Coding change: c.4284G>A on transcript NM_002474.3 (MANE Select); coding-DNA position 4284, G replaced by A.
Protein change: p.Glu1428=; no amino-acid change (glutamic acid 1428 retained).
Molecular consequence: synonymous variant.
Genome position (GRCh38, 1-based): chr16:15,724,242, C>T on the plus strand (G>A on the coding strand, the complement: MYH11 is on the minus strand). VCF-style: chr16-15724242-C-T. GRCh37 (hg19) VCF-style: chr16-15818099-C-T.
Other names: c.4305G>A, p.Glu1435= (NM_001040113.2, NM_001040114.2); c.4284G>A, p.Glu1428= (NM_022844.3); c.999C>T, p.Ser333= (NM_001143979.2, NM_017668.3); c.4284G>A (NM_002474.2).
Identifiers: ClinVar variation 3029695 (VCV003029695.3), dbSNP rs1435099547, ClinGen allele CA493758586.
Genomic context (GRCh38, chr16:15,724,242, plus strand): 5'-CTTTTCCAGGTTGGACACGAGTTGCCGCTGGTTGTCCAAATCAACAACCAGGTCGTCCAG[C>T]TCCTGCTGAAGCCTGTTCTTGGTCTTTTCCAGTTTATCATAAGCGGCCGCCTTCTCCTCG-3'
Protein context (NP_002465.1, residues 1418-1438): LEKTKNRLQQ[Glu1428=]LDDLVVDLDN